The following is an entry in ClinVar:

NM_002528.7(NTHL1):c.275G>T (p.Arg92Leu)

Gene: NTHL1 (nth like DNA glycosylase 1; minus strand). Cytogenetic location: 16p13.3.
Variant type: single nucleotide variant.
Coding change: c.275G>T on transcript NM_002528.7 (MANE Select); coding-DNA position 275, G replaced by T.
Protein change: p.Arg92Leu; replaces arginine 92 with leucine.
Molecular consequence: missense variant. On other transcripts: intron variant (1).
Genome position (GRCh38, 1-based): chr16:2,046,207, C>A on the plus strand (G>T on the coding strand, the complement: NTHL1 is on the minus strand). VCF-style: chr16-2046207-C-A. GRCh37 (hg19) VCF-style: chr16-2096208-C-A.
Other names: c.275G>T, p.Arg92Leu (NM_001318193.2); c.24+73G>T (NM_001318194.2); short protein forms R92L.
Identifiers: ClinVar variation 1038743 (VCV001038743.7), dbSNP rs145644817, ClinGen allele CA394296793.
Genomic context (GRCh38, chr16:2,046,207, plus strand): 5'-TCATAGCAGTGCTCAGTCCCCAGATGGTCCACAGGTGCATCCTTTTTGTTCCTCATGGCA[C>A]GGATGTTGACCAGCTGTTGCTGCCAGTCCTGGGGCTCCCAGACTGGCACCTTGAGGGGCT-3'
Protein context (NP_002519.2, residues 82-102): QDWQQQLVNI[Arg92Leu]AMRNKKDAPV

ClinVar aggregate classification (germline): Uncertain significance (1 of 4 stars; one submission).

Submission:

Labcorp Genetics (formerly Invitae), Labcorp
Classification: Uncertain significance. Last evaluated: 2018-05-21. Review status: criteria provided, single submitter. Criteria: Invitae Variant Classification Sherloc (09022015). Collection method: clinical testing. Allele origin: germline.
Comment: In summary, the available evidence is currently insufficient to determine the role of this variant in disease. Therefore, it has been classified as a Variant of Uncertain Significance. Algorithms developed to predict the effect of missense changes on protein structure and function are either unavailable or do not agree on the potential impact of this missense change (SIFT: "Deleterious"; PolyPhen-2: "Benign"; Align-GVGD: "Class C65"). This variant has not been reported in the literature in individuals with NTHL1-related disease. This variant is not present in population databases (ExAC no frequency). This sequence change replaces arginine with leucine at codon 100 of the NTHL1 protein (p.Arg100Leu). The arginine residue is highly conserved and there is a moderate physicochemical difference between arginine and leucine.